The following is an entry in ClinVar:

NM_005120.3(MED12):c.1960A>G (p.Ser654Gly)

Gene: MED12 (mediator complex subunit 12; plus strand). Cytogenetic location: Xq13.1.
Variant type: single nucleotide variant.
Coding change: c.1960A>G on transcript NM_005120.3 (MANE Select); coding-DNA position 1960, A replaced by G.
Protein change: p.Ser654Gly; replaces serine 654 with glycine.
Molecular consequence: missense variant.
Genome position (GRCh38, 1-based): chrX:71,124,374, A>G. VCF-style: chrX-71124374-A-G. GRCh37 (hg19) VCF-style: chrX-70344224-A-G.
Other names: short protein forms S654G.
Identifiers: ClinVar variation 3634951 (VCV003634951.2).

ClinVar aggregate classification (germline): Uncertain significance (1 of 4 stars; one submission).

Conditions:
FG syndrome (FGS). Identifiers: MedGen C0220769, MONDO:0002010.

Submission:

Labcorp Genetics (formerly Invitae), Labcorp
Classification: Uncertain significance for FG syndrome. Last evaluated: 2024-04-25. Review status: criteria provided, single submitter. Criteria: Invitae Variant Classification Sherloc (09022015). Collection method: clinical testing. Allele origin: germline.
Comment: This sequence change replaces serine, which is neutral and polar, with glycine, which is neutral and non-polar, at codon 654 of the MED12 protein (p.Ser654Gly). This variant is not present in population databases (gnomAD no frequency). This variant has not been reported in the literature in individuals affected with MED12-related conditions. Advanced modeling of protein sequence and biophysical properties (such as structural, functional, and spatial information, amino acid conservation, physicochemical variation, residue mobility, and thermodynamic stability) performed at Invitae indicates that this missense variant is not expected to disrupt MED12 protein function with a negative predictive value of 95%. In summary, the available evidence is currently insufficient to determine the role of this variant in disease. Therefore, it has been classified as a Variant of Uncertain Significance.